The following is an entry in ClinVar:

NM_004415.4(DSP):c.1054G>A (p.Asp352Asn)

Gene: DSP (desmoplakin; plus strand). Cytogenetic location: 6p24.3.
Variant type: single nucleotide variant.
Coding change: c.1054G>A on transcript NM_004415.4 (MANE Select); coding-DNA position 1054, G replaced by A.
Protein change: p.Asp352Asn; replaces aspartic acid 352 with asparagine.
Molecular consequence: missense variant.
Genome position (GRCh38, 1-based): chr6:7,567,363, G>A. VCF-style: chr6-7567363-G-A. GRCh37 (hg19) VCF-style: chr6-7567596-G-A.
Other names: c.1054G>A, p.Asp352Asn (NM_001008844.3, NM_001319034.2, NM_001406591.1); short protein forms D352N.
Identifiers: ClinVar variation 1943478 (VCV001943478.6), dbSNP rs2533879554, ClinGen allele CA362675480.

ClinVar aggregate classification (germline): Uncertain significance. Review status: criteria provided, multiple submitters, no conflicts (2 of 4 stars). 2 submissions from 2 submitters: Uncertain significance (2). Last evaluated 2025-06-20.

Conditions:
Arrhythmogenic right ventricular dysplasia 8 (ARVD8). Also called: Arrhythmogenic Right Ventricular Dysplasia/Cardiomyopathy 8; ARRHYTHMOGENIC RIGHT VENTRICULAR DYSPLASIA, FAMILIAL, 8; ARRHYTHMOGENIC RIGHT VENTRICULAR CARDIOMYOPATHY 8. Identifiers: MedGen C1843896, MONDO:0011831, OMIM 607450.
Arrhythmogenic cardiomyopathy with wooly hair and keratoderma. Also called: Arrhythmogenic cardiomyopathy with woolly hair and keratoderma; Carvajal syndrome; Dilated cardiomyopathy with woolly hair and keratoderma; PALMOPLANTAR KERATODERMA WITH LEFT VENTRICULAR CARDIOMYOPATHY AND WOOLLY HAIR. Identifiers: Orphanet 65282, MedGen C1854063, MONDO:0011581, OMIM 605676.

Allele frequency attached by ClinVar (database versions not stated): gnomAD exomes below 0.00001.
gnomAD v4.1: 1 of 1,613,976 alleles (0.000062%); highest among the groups gnomAD compares: Non-Finnish European, 0.000085%; no homozygotes.

Submissions (2):

Labcorp Genetics (formerly Invitae), Labcorp
Classification: Uncertain significance for Arrhythmogenic cardiomyopathy with wooly hair and keratoderma; Arrhythmogenic right ventricular dysplasia 8. Last evaluated: 2025-06-20. Review status: criteria provided, single submitter. Criteria: Invitae Variant Classification Sherloc (09022015). Collection method: clinical testing. Allele origin: germline.
Comment: This sequence change replaces aspartic acid, which is acidic and polar, with asparagine, which is neutral and polar, at codon 352 of the DSP protein (p.Asp352Asn). This variant is not present in population databases (gnomAD no frequency). This variant has not been reported in the literature in individuals affected with DSP-related conditions. ClinVar contains an entry for this variant (Variation ID: 1943478). An algorithm developed to predict the effect of missense changes on protein structure and function (PolyPhen-2) suggests that this variant is likely to be disruptive. In summary, the available evidence is currently insufficient to determine the role of this variant in disease. Therefore, it has been classified as a Variant of Uncertain Significance.

Women's Health and Genetics/Laboratory Corporation of America, LabCorp
Classification: Uncertain significance. Last evaluated: 2024-11-15. Review status: criteria provided, single submitter. Criteria: LabCorp Variant Classification Summary - May 2015. Collection method: clinical testing. Allele origin: germline.